The following is an entry in ClinVar:

NM_000535.7(PMS2):c.1151T>G (p.Leu384Ter)

Gene: PMS2 (PMS1 homolog 2, mismatch repair system component; minus strand). Cytogenetic location: 7p22.1.
Variant type: single nucleotide variant.
Coding change: c.1151T>G on transcript NM_000535.7 (MANE Select); coding-DNA position 1151, T replaced by G.
Protein change: p.Leu384Ter; replaces leucine 384 with a stop codon.
Molecular consequence: nonsense. On other transcripts: non-coding transcript variant (1).
Genome position (GRCh38, 1-based): chr7:5,987,614, A>C on the plus strand (T>G on the coding strand, the complement: PMS2 is on the minus strand). VCF-style: chr7-5987614-A-C. GRCh37 (hg19) VCF-style: chr7-6027245-A-C.
Other names: c.746T>G, p.Leu249Ter (NM_001322003.2, NM_001322004.2, NM_001322005.2 and 1 more transcripts); c.995T>G, p.Leu332Ter (NM_001322006.2); c.833T>G, p.Leu278Ter (NM_001322007.2, NM_001322008.2); c.590T>G, p.Leu197Ter (NM_001322010.2); c.218T>G, p.Leu73Ter (NM_001322011.2, NM_001322012.2); c.578T>G, p.Leu193Ter (NM_001322013.2); c.1151T>G, p.Leu384Ter (NM_001322014.2); c.842T>G, p.Leu281Ter (NM_001322015.2); short protein forms L384*, L249*, L278*, L332*, L281*, L73*, L193*, L197*.
Identifiers: ClinVar variation 455641 (VCV000455641.10), dbSNP rs1554298087, ClinGen allele CA366742692.
Genomic context (GRCh38, chr7:5,987,614, plus strand): 5'-GGGGATTGATCCTGCTTTTCTACCATGGGCTTTTCCAAATCCGCTGCATGCATTTTTATT[A>C]AGTTACCTAAGCAAACGTGGACGGAGAAGAGGGTCAGGGACTATCCTGAAATGGTGAGAG-3'

ClinVar aggregate classification (germline): Pathogenic. Review status: criteria provided, multiple submitters, no conflicts (2 of 4 stars). 3 submissions from 3 submitters: Pathogenic (3). Last evaluated 2025-10-07.

Conditions:
Hereditary nonpolyposis colorectal neoplasms. Identifiers: MedGen C0009405, MeSH D003123.
Hereditary cancer-predisposing syndrome. Also called: Hereditary Cancer Syndrome; Hereditary neoplastic syndrome; Neoplastic Syndromes, Hereditary; Tumor predisposition. Identifiers: Orphanet 140162, MedGen C0027672, MeSH D009386, MONDO:0015356.
Lynch syndrome 4 (LYNCH4). Also called: Colorectal cancer, hereditary nonpolyposis, type 4; Hereditary non-polyposis colorectal cancer, type 4. Identifiers: Orphanet 144, MedGen C1838333, MONDO:0013699, OMIM 614337. Disease mechanism: loss of function.

Submissions (3):

Labcorp Genetics (formerly Invitae), Labcorp
Classification: Pathogenic for Hereditary nonpolyposis colorectal neoplasms. Last evaluated: 2025-10-07. Review status: criteria provided, single submitter. Criteria: Invitae Variant Classification Sherloc (09022015). Collection method: clinical testing. Allele origin: germline.
Comment: This sequence change creates a premature translational stop signal (p.Leu384*) in the PMS2 gene. It is expected to result in an absent or disrupted protein product. Loss-of-function variants in PMS2 are known to be pathogenic (PMID: 21376568, 24362816). This variant is not present in population databases (gnomAD no frequency). This variant has not been reported in the literature in individuals affected with PMS2-related conditions. ClinVar contains an entry for this variant (Variation ID: 455641). For these reasons, this variant has been classified as Pathogenic.

Myriad Genetics, Inc.
Classification: Pathogenic for Lynch syndrome 4. Last evaluated: 2023-09-20. Review status: criteria provided, single submitter. Criteria: Myriad Autosomal Dominant, Autosomal Recessive and X-Linked Classification Criteria (2023). Collection method: clinical testing. Allele origin: unknown.
Comment: This variant is considered pathogenic. This variant creates a termination codon and is predicted to result in premature protein truncation.

Ambry Genetics
Classification: Pathogenic for Hereditary cancer-predisposing syndrome. Last evaluated: 2020-06-19. Review status: criteria provided, single submitter. Criteria: Ambry Variant Classification Scheme 2023. Collection method: clinical testing. Allele origin: germline.
Comment: The p.L384* pathogenic mutation (also known as c.1151T>G), located in coding exon 11 of the PMS2 gene, results from a T to G substitution at nucleotide position 1151. This changes the amino acid from a leucine to a stop codon within coding exon 11. This alteration is expected to result in loss of function by premature protein truncation or nonsense-mediated mRNA decay. As such, this alteration is interpreted as a disease-causing mutation.

Literature cited by the submitters: PubMed 21376568 (cited by Labcorp Genetics (formerly Invitae), Labcorp); PubMed 24362816 (cited by Labcorp Genetics (formerly Invitae), Labcorp).